The following is an entry in ClinVar:

ClinVar aggregate classification (germline): Uncertain significance (1 of 4 stars; one submission).

Submission:

Labcorp Genetics (formerly Invitae), Labcorp
Classification: Uncertain significance. Last evaluated: 2025-09-08. Review status: criteria provided, single submitter. Criteria: Invitae Variant Classification Sherloc (09022015). Collection method: clinical testing. Allele origin: germline.
Comment: This sequence change replaces proline, which is neutral and non-polar, with leucine, which is neutral and non-polar, at codon 656 of the CDH23 protein (p.Pro656Leu). This variant is not present in population databases (gnomAD no frequency). This variant has not been reported in the literature in individuals affected with CDH23-related conditions. ClinVar contains an entry for this variant (Variation ID: 1464754). Invitae Evidence Modeling of protein sequence and biophysical properties (such as structural, functional, and spatial information, amino acid conservation, physicochemical variation, residue mobility, and thermodynamic stability) has been performed for this missense variant. However, the output from this modeling did not meet the statistical confidence thresholds required to predict the impact of this variant on CDH23 protein function. In summary, the available evidence is currently insufficient to determine the role of this variant in disease. Therefore, it has been classified as a Variant of Uncertain Significance.

NM_022124.6(CDH23):c.1967C>T (p.Pro656Leu)

Gene: CDH23 (cadherin related 23; plus strand). Cytogenetic location: 10q22.1.
Variant type: single nucleotide variant.
Coding change: c.1967C>T on transcript NM_022124.6 (MANE Select); coding-DNA position 1967, C replaced by T.
Protein change: p.Pro656Leu; replaces proline 656 with leucine.
Molecular consequence: missense variant.
Genome position (GRCh38, 1-based): chr10:71,682,553, C>T. VCF-style: chr10-71682553-C-T. GRCh37 (hg19) VCF-style: chr10-73442310-C-T.
Other names: c.1967C>T, p.Pro656Leu (NM_001171930.2, NM_001171931.2); short protein forms P656L.
Identifiers: ClinVar variation 1464754 (VCV001464754.6), dbSNP rs2132682760, ClinGen allele CA377132785.